The following is an entry in ClinVar:

NM_020693.4(DSCAML1):c.5228G>A (p.Arg1743Gln)

Gene: DSCAML1 (DS cell adhesion molecule like 1; minus strand). Cytogenetic location: 11q23.3.
Variant type: single nucleotide variant.
Coding change: c.5228G>A on transcript NM_020693.4 (MANE Select); coding-DNA position 5228, G replaced by A.
Protein change: p.Arg1743Gln; replaces arginine 1743 with glutamine.
Molecular consequence: missense variant.
Genome position (GRCh38, 1-based): chr11:117,431,680, C>T on the plus strand (G>A on the coding strand, the complement: DSCAML1 is on the minus strand). VCF-style: chr11-117431680-C-T. GRCh37 (hg19) VCF-style: chr11-117302396-C-T.
Other names: c.5408G>A (NM_020693.2); short protein forms R1743Q.
Identifiers: ClinVar variation 1505682 (VCV001505682.7), dbSNP rs151098218, ClinGen allele CA6296123.

ClinVar aggregate classification (germline): Uncertain significance. Review status: criteria provided, multiple submitters, no conflicts (2 of 4 stars). 2 submissions from 2 submitters: Uncertain significance (2). Last evaluated 2024-12-03.

Allele frequency attached by ClinVar (database versions not stated): ExAC 0.00003; gnomAD exomes 0.00004; TOPMed 0.00007; gnomAD 0.00010 and 0.00011; ESP Exome Variant Server 0.00015; 1000 Genomes Project 0.00020; 1000 Genomes Project 30x 0.00031.
gnomAD v4.1: 45 of 1,609,192 alleles (0.0028%); highest among the groups gnomAD compares: African/African-American, 0.02%; no homozygotes.

Submissions (2):

Labcorp Genetics (formerly Invitae), Labcorp
Classification: Uncertain significance. Last evaluated: 2024-12-03. Review status: criteria provided, single submitter. Criteria: Invitae Variant Classification Sherloc (09022015). Collection method: clinical testing. Allele origin: germline.
Comment: This sequence change replaces arginine, which is basic and polar, with glutamine, which is neutral and polar, at codon 1803 of the DSCAML1 protein (p.Arg1803Gln). This variant is present in population databases (rs151098218, gnomAD 0.04%). This variant has not been reported in the literature in individuals affected with DSCAML1-related conditions. ClinVar contains an entry for this variant (Variation ID: 1505682). An algorithm developed to predict the effect of missense changes on protein structure and function (PolyPhen-2) suggests that this variant is likely to be tolerated. In summary, the available evidence is currently insufficient to determine the role of this variant in disease. Therefore, it has been classified as a Variant of Uncertain Significance.

Ambry Genetics
Classification: Uncertain significance. Last evaluated: 2024-11-19. Review status: criteria provided, single submitter. Criteria: Ambry Variant Classification Scheme 2023. Collection method: clinical testing. Allele origin: germline.